The following is an entry in ClinVar:

NM_006087.4(TUBB4A):c.1162A>G (p.Met388Val)

Gene: TUBB4A (tubulin beta 4A class IVa; minus strand). Cytogenetic location: 19p13.3.
Variant type: single nucleotide variant.
Coding change: c.1162A>G on transcript NM_006087.4 (MANE Select); coding-DNA position 1162, A replaced by G.
Protein change: p.Met388Val; replaces methionine 388 with valine.
Molecular consequence: missense variant.
Genome position (GRCh38, 1-based): chr19:6,495,337, T>C on the plus strand (A>G on the coding strand, the complement: TUBB4A is on the minus strand). VCF-style: chr19-6495337-T-C. GRCh37 (hg19) VCF-style: chr19-6495348-T-C.
Other names: c.1315A>G, p.Met439Val (NM_001289123.2); c.1297A>G, p.Met433Val (NM_001289127.2); c.1162A>G, p.Met388Val (NM_001289129.2); c.946A>G, p.Met316Val (NM_001289130.2, NM_001289131.2); short protein forms M439V, M388V, M433V, M316V.
Identifiers: ClinVar variation 267790 (VCV000267790.8), dbSNP rs886041019, ClinGen allele CA10602620.
Genomic context (GRCh38, chr19:6,495,337, plus strand): 5'-ACTCCATCTCGTCCATGCCCTCGCCCGTGTACCAGTGCAAGAAGGCCTTGCGCCGGAACA[T>C]GGCCGTGAACTGCTCGGAGATGCGCTTGAACAGCTCCTGGATGGCCGTGCTGTTGCCGAT-3'
Protein context (NP_006078.2, residues 378-398): FKRISEQFTA[Met388Val]FRRKAFLHWY

ClinVar aggregate classification (germline): Likely pathogenic. Review status: criteria provided, multiple submitters, no conflicts (2 of 4 stars). 4 submissions from 4 submitters: Likely pathogenic (3). 1 of the submissions does not count toward it. Last evaluated 2019-09-20.

Conditions:
TUBB4A-related disorder. Also called: TUBB4A-related condition.
Leukodystrophy, hypomyelinating, 6. Also called: TUBB4A-Associated Leukodystrophy; Hypomyelination with Atrophy of Basal Ganglia and Cerebellum (H-ABC); LEUKODYSTROPHY, HYPOMYELINATING, WITH ATROPHY OF THE BASAL GANGLIA AND CEREBELLUM. Identifiers: Orphanet 139441, MedGen C2676244, MONDO:0012905, OMIM 612438.

Submissions (4):

Revvity Omics, Revvity
Classification: Likely pathogenic. Last evaluated: 2019-09-20. Review status: criteria provided, single submitter. Criteria: ACMG Guidelines, 2015. Collection method: clinical testing. Allele origin: germline.

Blueprint Genetics
Classification: Likely pathogenic for TUBB4A-related disorders. Last evaluated: 2019-08-07. Review status: criteria provided, single submitter. Criteria: ACMG Guidelines, 2015. Collection method: clinical testing. Allele origin: germline. Affected: yes. Observed: 1 variant allele.

GeneDx
Classification: Likely pathogenic. Last evaluated: 2017-01-23. Review status: criteria provided, single submitter. Criteria: GeneDx Variant Classification (06012015). Collection method: clinical testing. Allele origin: germline. Affected: yes.
Comment: The M388V variant in the TUBB4A gene has been reported previously in association with hypomyelinating leukodystrophy with atrophy of the basal ganglia and cerebellum (Hamilton et al., 2014; Miyatake et al., 2014). The M388V variant was not observed in approximately 6,500 individuals of European and African American ancestry in the NHLBI Exome Sequencing Project, indicating it is not a common benign variant in these populations. The M388V variant is a conservative amino acid substitution, which occurs at a position that is conserved across species. In silico analysis is inconsistent in its predictions as to whether or not the variant is damaging to the protein structure/function. Missense variants in the same residue (M388I, M388T) have also been reported in association with hypomyelinating leukodystrophy with atrophy of the basal ganglia and cerebellum (Hamilton et al., 2014; Posey et al., 2016), supporting the functional importance of this region of the protein. The M388V variant is a strong candidate for a pathogenic variant.

GeneReviews
No classification provided. Condition: Leukodystrophy, hypomyelinating, 6. Review status: no classification provided. Collection method: literature only. Allele origin: germline. Affected: yes. Not counted in ClinVar's aggregate classification.

Literature cited by the submitters: PubMed 24850488 (cited by GeneReviews); NCBI Bookshelf NBK395611 (cited by GeneReviews).